The following is an entry in ClinVar:

NC_000017.10:g.(?_15142778)_(15142938_?)del

Gene: PMP22 (peripheral myelin protein 22; minus strand). Cytogenetic location: 17p12.
Variant type: Deletion.
Identifiers: ClinVar variation 1402717 (VCV001402717.6).

ClinVar aggregate classification (germline): Pathogenic (1 of 4 stars; one submission).

Conditions:
Charcot-Marie-Tooth disease, type I (CMT1). Also called: Charcot-Marie-Tooth, Type 1; Charcot-Marie-Tooth disease type 1. Identifiers: Orphanet 65753, MedGen C0751036, MONDO:0019011.

Submission:

Labcorp Genetics (formerly Invitae), Labcorp
Classification: Pathogenic for Charcot-Marie-Tooth disease, type I. Last evaluated: 2022-10-03. Review status: criteria provided, single submitter. Criteria: Invitae Variant Classification Sherloc (09022015). Collection method: clinical testing. Allele origin: germline.
Comment: This variant is a gross deletion of the genomic region encompassing exon(s) 4 of the PMP22 gene. This variant would be expected to be in-frame, preserving the integrity of the reading frame. A similar copy number variant has been observed in individuals with Charcot-Marie-Tooth disease (PMID: 26454100, 28382305). It has also been observed to segregate with disease in related individuals. Algorithms developed to predict the effect of variants on protein structure and function are not available or were not evaluated for this variant. Experimental studies have shown that a similar copy number variant affects PMP22 function (PMID: 28382305). For these reasons, this variant has been classified as Pathogenic.

Literature cited by the submitters: PubMed 26454100; PubMed 28382305.